The following is an entry in ClinVar:

NM_001849.4(COL6A2):c.714+62A>G

Gene: COL6A2 (collagen type VI alpha 2 chain; plus strand). Cytogenetic location: 21q22.3.
Variant type: single nucleotide variant.
Coding change: c.714+62A>G on transcript NM_001849.4 (MANE Select); 62 bases into the intron after coding-DNA position 714, A replaced by G.
Molecular consequence: intron variant.
Genome position (GRCh38, 1-based): chr21:46,112,639, A>G. VCF-style: chr21-46112639-A-G. GRCh37 (hg19) VCF-style: chr21-47532553-A-G.
Other names: c.714+62A>G (NM_058175.3, NM_058174.3).
Identifiers: ClinVar variation 681617 (VCV000681617.2), dbSNP rs112472569, ClinGen allele CA14888067.

ClinVar aggregate classification (germline): Benign. Review status: criteria provided, multiple submitters, no conflicts (2 of 4 stars). 2 submissions from 2 submitters: Benign (2). Last evaluated 2018-06-16.

Allele frequency attached by ClinVar (database versions not stated): 1000 Genomes Project 0.02556; 1000 Genomes Project 30x 0.02780; TOPMed 0.05643; gnomAD 0.05688 and 0.05824; gnomAD exomes 0.08377.
gnomAD v4.1: 128,950 of 1,593,834 alleles (8.1%); highest among the groups gnomAD compares: Non-Finnish European, 9.8%; 6,223 homozygotes.

Submissions (2):

GeneDx
Classification: Benign. Last evaluated: 2018-06-16. Review status: criteria provided, single submitter. Criteria: GeneDx Variant Classification (06012015). Collection method: clinical testing. Allele origin: germline. Affected: yes.
Comment: This variant is considered likely benign or benign based on one or more of the following criteria: it is a conservative change, it occurs at a poorly conserved position in the protein, it is predicted to be benign by multiple in silico algorithms, and/or has population frequency not consistent with disease.

Breakthrough Genomics
Classification: Benign. Review status: criteria provided, single submitter. Criteria: ACMG Guidelines, 2015. Collection method: not provided. Allele origin: germline. Inheritance: Autosomal recessive inheritance. Affected: yes.